The following is an entry in ClinVar:

NM_000080.4(CHRNE):c.1220-8_1227dup

Gene: CHRNE (cholinergic receptor nicotinic epsilon subunit; minus strand). Cytogenetic location: 17p13.2.
Variant type: Duplication.
Coding change: c.1220-8_1227dup on transcript NM_000080.4 (MANE Select); 8 bases into the intron before coding-DNA position 1220 through coding-DNA position 1227, 16 bases duplicated (CCCGCCAGCTGCCTTC).
Molecular consequence: splice acceptor variant.
Genome position (GRCh38, 1-based): chr17:4,899,100-4,899,115, GAAGGCAGCTGGCGGG duplicated on the plus strand (CCCGCCAGCTGCCTTC on the coding strand, the reverse complement: CHRNE is on the minus strand); duplicating any 16 consecutive bases within chr17:4,899,100-4,899,118 gives the same sequence; the c. name uses the placement nearest the transcript's 3' end. VCF-style (leftmost placement, unchanged base first): chr17-4899099-A-AGAAGGCAGCTGGCGGG. GRCh37 (hg19) VCF-style: chr17-4802394-A-AGAAGGCAGCTGGCGGG.
Other names: c.1220-8_1227dupCCCGCCAGCTGCCTTC (NM_000080.3).
Identifiers: ClinVar variation 1070640 (VCV001070640.11), dbSNP rs2151094080, ClinGen allele CA1139771745.
Genomic context (GRCh38, chr17:4,899,099, plus strand): 5'-CGAAGTTCACGGCATCCACACAGCAGCGGACCTCGGGGGCGGCGGCGCCCAGGCTCTGGC[A>AGAAGGCAGCTGGCGGG]GAAGGCAGCTGGCGGGGAAAACACCGGGGTGGGCCTTAGGAGCCTCCCCCCTGGCAGGCA-3'

ClinVar aggregate classification (germline): Conflicting classifications of pathogenicity. Review status: criteria provided, conflicting classifications (1 of 4 stars). 5 submissions from 5 submitters: Pathogenic (3); Likely pathogenic (1); Uncertain significance (1). Last evaluated 2025-09-10.

Conditions:
Congenital myasthenic syndrome 4B. Also called: Myasthenic syndrome, congenital, 4b, fast-channel. Identifiers: Orphanet 590, MedGen C4225369, MONDO:0014586, OMIM 616324.
Congenital myasthenic syndrome (CMS). Also called: Congenital Myasthenic Syndromes. Identifiers: Orphanet 590, MedGen C0751882, MeSH D020294, MONDO:0018940.
Congenital myasthenic syndrome 4A. Also called: Myasthenic syndrome, congenital, 4a, slow-channel; MYASTHENIC SYNDROME, CONGENITAL, 4A, SLOW-CHANNEL, AUTOSOMAL RECESSIVE; CONGENITAL MYASTHENIC SYNDROME TYPE Ia1. Identifiers: Orphanet 590, MedGen C4225413, MONDO:0011600, OMIM 605809.

Submissions (5):

Genomic Medicine Center of Excellence, King Faisal Specialist Hospital and Research Centre
Classification: Likely pathogenic for Congenital myasthenic syndrome 4B. Last evaluated: 2025-09-10. Review status: criteria provided, single submitter. Criteria: ACMG Guidelines, 2015. Collection method: clinical testing. Allele origin: germline.

Natera, Inc.
Classification: Pathogenic for Congenital myasthenic syndrome. Last evaluated: 2024-11-29. Review status: criteria provided, single submitter. Criteria: Natera Variant Classification Schema (03/2026). Collection method: clinical testing. Allele origin: germline.
Comment: The c.1220-8_1227dupCCCGCCAGCTGCCTTC variant in CHRNE is a frameshift variant predicted to shift the reading frame and introduce a stop codon. This variant is expected to result in nonsense mediated decay, truncation, or a dysfunctional protein product. This variant is rare in the general population with a frequency below the threshold expected for the associated phenotype(s). This variant has been observed in one or more individuals affected with the associated recessive disease, as either homozygous or compound heterozygous with a second variant (PMID: 38001983). Additionally, this variant has been observed to segregate in affected family members (PMID: 38001983). Given the available evidence, this variant is classified as Pathogenic.

Baylor Genetics
Classification: Pathogenic for Congenital myasthenic syndrome 4A. Last evaluated: 2023-10-07. Review status: criteria provided, single submitter. Criteria: ACMG Guidelines, 2015. Collection method: clinical testing. Allele origin: unknown.

GeneDx
Classification: Uncertain significance. Last evaluated: 2023-06-06. Review status: criteria provided, single submitter. Criteria: GeneDx Variant Classification Process June 2021. Collection method: clinical testing. Allele origin: germline. Affected: yes.
Comment: Previously reported in the compound heterozygous state in an individual with congenital myasthenia syndrome; however detailed clinical information was not provided (Durmus et al., 2018); Canonical splice site variant with an unclear effect on protein function; Not observed at significant frequency in large population cohorts (gnomAD); This variant is associated with the following publications: (PMID: 30290857, 16156036, 29395675)

Labcorp Genetics (formerly Invitae), Labcorp
Classification: Pathogenic for Congenital myasthenic syndrome 4A. Last evaluated: 2020-02-24. Review status: criteria provided, single submitter. Criteria: Invitae Variant Classification Sherloc (09022015). Collection method: clinical testing. Allele origin: germline.
Comment: This sequence change results in a premature translational stop signal in the CHRNE gene (p.Cys410Profs*51). While this is not anticipated to result in nonsense mediated decay, it is expected to disrupt the last 84 amino acids of the CHRNE protein. This variant is not present in population databases (ExAC no frequency). This variant has been observed in individual(s) with congenital myasthenic syndrome (PMID: 29395675). Algorithms developed to predict the effect of sequence changes on RNA splicing suggest that this variant may create or strengthen a splice site, but this prediction has not been confirmed by published transcriptional studies. This variant disrupts the C-terminus of the CHRNE protein. Other variant(s) that disrupt this region (p.Y478*) have been determined to be pathogenic (PMID: 12417530). This suggests that variants that disrupt this region of the protein are likely to be causative of disease. For these reasons, this variant has been classified as Pathogenic.

Literature cited by the submitters: PubMed 38001983 (cited by Natera, Inc.); PubMed 29395675 (cited by Labcorp Genetics (formerly Invitae), Labcorp); PubMed 12417530 (cited by Labcorp Genetics (formerly Invitae), Labcorp).